The following is an entry in ClinVar:

ClinVar aggregate classification (germline): Conflicting classifications of pathogenicity. Review status: criteria provided, conflicting classifications (1 of 4 stars). 15 submissions from 15 submitters: Uncertain significance (8); Benign (1); Likely benign (5). 1 of the submissions does not count toward it. Last evaluated 2026-07-12.

Conditions:
APC-related disorder. Also called: APC-related condition.
Classic or attenuated familial adenomatous polyposis. Identifiers: MedGen CN372698, MONDO:0021057.
APC-Associated Polyposis Disorders.
Desmoid disease, hereditary (DESMD). Also called: FIBROMATOSIS, FAMILIAL INFILTRATIVE. Identifiers: Orphanet 873, MedGen C1851124, OMIM 135290. Disease mechanism: loss of function.
Familial adenomatous polyposis 1 (FAP1). Also called: FAMILIAL ADENOMATOUS POLYPOSIS 1, ATTENUATED; POLYPOSIS, ADENOMATOUS INTESTINAL. Identifiers: MedGen C2713442, MONDO:0021056, OMIM 175100. Disease mechanism: loss of function.
Neoplasm of stomach. Also called: Neoplasm of the stomach; Gastric neoplasm; Stomach Neoplasms. Identifiers: MedGen C0038356, MONDO:0021085, HP:0006753. Disease mechanism: gain of function. Inheritance: Somatic mutation.
Carcinoma of colon (CRC). Also called: Colonic carcinoma; Colon carcinoma. Identifiers: MedGen C0699790, MONDO:0002032.
Hepatocellular carcinoma (HCC). Also called: Primary carcinoma of liver; HEPATOMA; LIVER CELL CARCINOMA. Identifiers: Orphanet 88673, MedGen C2239176, MONDO:0007256, OMIM 114550, HP:0001402.
Hereditary cancer-predisposing syndrome. Also called: Tumor predisposition; Neoplastic Syndromes, Hereditary; Hereditary neoplastic syndrome; Hereditary Cancer Syndrome. Identifiers: Orphanet 140162, MedGen C0027672, MeSH D009386, MONDO:0015356.

Allele frequency attached by ClinVar (database versions not stated): ExAC 0.00002; gnomAD exomes 0.00002 and 0.00003; TOPMed 0.00002; gnomAD 0.00004.
gnomAD v4.1: 43 of 1,613,838 alleles (0.0027%); highest among the groups gnomAD compares: Middle Eastern, 0.21%; no homozygotes.

Submissions (15):

PreventionGenetics, part of Exact Sciences
Classification: Uncertain significance for APC-related condition. Last evaluated: 2026-07-12. Review status: criteria provided, single submitter. Criteria: ACMG Guidelines, 2015. Collection method: clinical testing. Allele origin: germline.
Comment: The APC c.6639G>A variant is predicted to result in the amino acid substitution p.Met2213Ile. This variant was reported as variant of uncertain significance in one patient with suspected Lynch syndrome (Yurgelun et al. 2015. PubMed ID: 25980754) and in another cohort study related to hereditary cancer predisposition syndromes (Tsaousis et al. 2019. PubMed ID: 31159747, Table S5); however, evidence of pathogenicity was not provided. This variant is reported in 0.0039% of alleles in individuals of European (Non-Finnish) descent in gnomAD and has conflicting interpretations regarding its pathogenicity in ClinVar, ranging from benign to uncertain (Variation ID: 141618). Although we suspect this variant is benign, at this time, the clinical significance of this variant is uncertain due to the absence of conclusive functional and genetic evidence.

Labcorp Genetics (formerly Invitae), Labcorp
Classification: Benign for Familial adenomatous polyposis 1. Last evaluated: 2026-01-31. Review status: criteria provided, single submitter. Criteria: Invitae Variant Classification Sherloc (09022015). Collection method: clinical testing. Allele origin: germline.

Women's Health and Genetics/Laboratory Corporation of America, LabCorp
Classification: Likely benign. Last evaluated: 2025-07-14. Review status: criteria provided, single submitter. Criteria: LabCorp Variant Classification Summary - May 2015. Collection method: clinical testing. Allele origin: germline.
Comment: Variant summary: APC c.6639G>A (p.Met2213Ile) results in a conservative amino acid change in the encoded protein sequence. Algorithms developed to predict the effect of missense changes on protein structure and function all suggest that this variant is likely to be tolerated. The variant allele was found at a frequency of 2.7e-05 in 1613838 control chromosomes, predominantly at a frequency of 0.002137 in the Middle Eastern subpopulation (gnomAD v4). This frequency exceeds the maximum expected allele frequency for a pathogenic variant in APC causing Familial Adenomatous Polyposis (2.1e-03 vs 7.1e-05), strongly suggesting this variant is benign. c.6639G>A has been observed in the presumed heterozygous state in individual(s) affected with various cancers, however without strong evidence for causality (example, Yurgelun_2015, Tsaousis_2019). These report(s) do not provide unequivocal conclusions about association of the variant with APC-related conditions. To our knowledge, no experimental evidence demonstrating an impact on protein function has been reported. The following publications have been ascertained in the context of this evaluation (PMID: 31159747, 25980754, 21153778, 39438862, 35534704). ClinVar contains an entry for this variant (Variation ID: 141618). Based on the evidence outlined above, the variant was classified as likely benign.

Quest Diagnostics Nichols Institute San Juan Capistrano
Classification: Uncertain significance. Last evaluated: 2025-06-19. Review status: criteria provided, single submitter. Criteria: Quest Diagnostics criteria. Collection method: clinical testing. Allele origin: unknown.
Comment: The APC c.6639G>A (p.Met2213Ile) variant has been reported in the published literature in individuals with a personal or family history of breast and/or ovarian cancer (PMID: 31159747 (2019), 35534704 (2022)). The frequency of this variant in the general population (Genome Aggregation Database) is uninformative in the assessment of its pathogenicity. Analysis of this variant using bioinformatics tools for the prediction of the effect of amino acid changes on protein structure and function yielded predictions that this variant is benign. Based on the available information, we are unable to determine the clinical significance of this variant.

Revvity Omics, Revvity
Classification: Uncertain significance. Last evaluated: 2025-04-15. Review status: criteria provided, single submitter. Criteria: ACMG Guidelines, 2015. Collection method: clinical testing. Allele origin: germline.

Color Diagnostics, LLC DBA Color Health
Classification: Likely benign for Hereditary cancer-predisposing syndrome. Last evaluated: 2024-09-24. Review status: criteria provided, single submitter. Criteria: ACMG Guidelines, 2015. Collection method: clinical testing. Allele origin: germline.

Blueprint Genetics
Classification: Likely benign. Last evaluated: 2024-07-22. Review status: criteria provided, single submitter. Criteria: ACMG Guidelines, 2015. Collection method: clinical testing. Allele origin: germline.

Myriad Genetics, Inc.
Classification: Uncertain significance for Familial adenomatous polyposis 1. Last evaluated: 2023-02-21. Review status: criteria provided, single submitter. Criteria: Myriad Autosomal Dominant, Autosomal Recessive and X-Linked Classification Criteria (2023). Collection method: clinical testing. Allele origin: unknown.
Comment: This variant is classified as a variant of uncertain significance as there is insufficient evidence to determine its impact on protein function and/or cancer risk.

Ambry Genetics
Classification: Likely benign for Hereditary cancer-predisposing syndrome. Last evaluated: 2021-04-02. Review status: criteria provided, single submitter. Criteria: Ambry Variant Classification Scheme 2023. Collection method: clinical testing. Allele origin: germline.

GeneDx
Classification: Likely benign. Last evaluated: 2020-12-15. Review status: criteria provided, single submitter. Criteria: GeneDx Variant Classification Process June 2021. Collection method: clinical testing. Allele origin: germline. Affected: yes.
Comment: Not observed at a significant frequency in large population cohorts (Lek et al., 2016); In silico analysis, which includes protein predictors and evolutionary conservation, supports that this variant does not alter protein structure/function; This variant is associated with the following publications: (PMID: 25980754, 24123366, 21153778, 31159747)

Department of Pathology and Laboratory Medicine, Sinai Health System
Classification: Uncertain significance for classic or attenuated familial adenomatous polyposis. Last evaluated: 2019-11-26. Review status: criteria provided, single submitter. Criteria: ACMG Guidelines, 2015. Collection method: clinical testing. Allele origin: germline.

Fulgent Genetics
Classification: Uncertain significance for Colorectal cancer; Hepatocellular carcinoma; Desmoid disease, hereditary; Familial adenomatous polyposis 1; Gastric cancer. Last evaluated: 2018-10-31. Review status: criteria provided, single submitter. Criteria: ACMG Guidelines, 2015. Collection method: clinical testing. Allele origin: unknown.

GeneKor MSA
Classification: Uncertain significance for Hereditary cancer-predisposing syndrome. Last evaluated: 2018-08-01. Review status: criteria provided, single submitter. Criteria: ACMG Guidelines, 2015. Collection method: clinical testing. Allele origin: germline. Affected: yes.

Illumina Laboratory Services, Illumina
Classification: Uncertain significance for APC-Associated Polyposis Disorders. Last evaluated: 2018-01-13. Review status: criteria provided, single submitter. Criteria: ICSL Variant Classification Criteria 13 December 2019. Collection method: clinical testing. Allele origin: germline.

Counsyl
Classification: Uncertain significance for Familial adenomatous polyposis 1. Last evaluated: 2016-07-18. Review status: no assertion criteria provided. Collection method: clinical testing. Allele origin: unknown. Not counted in ClinVar's aggregate classification.

Literature cited by the submitters: PubMed 21153778 (cited by Women's Health and Genetics/Laboratory Corporation of America, LabCorp); PubMed 25980754 (cited by 3 submitters); PubMed 31159747 (cited by 3 submitters); PubMed 35534704 (cited by Women's Health and Genetics/Laboratory Corporation of America, LabCorp and Quest Diagnostics Nichols Institute San Juan Capistrano); PubMed 39438862 (cited by Women's Health and Genetics/Laboratory Corporation of America, LabCorp); PubMed 24123366 (cited by Ambry Genetics and Department of Pathology and Laboratory Medicine, Sinai Health System).

NM_000038.6(APC):c.6639G>A (p.Met2213Ile)

Gene: APC (APC regulator of Wnt signaling pathway; plus strand). Cytogenetic location: 5q22.2.
Variant type: single nucleotide variant.
Coding change: c.6639G>A on transcript NM_000038.6 (MANE Select); coding-DNA position 6639, G replaced by A.
Protein change: p.Met2213Ile; replaces methionine 2213 with isoleucine.
Molecular consequence: missense variant.
Genome position (GRCh38, 1-based): chr5:112,842,233, G>A. VCF-style: chr5-112842233-G-A. GRCh37 (hg19) VCF-style: chr5-112177930-G-A.
Other names: c.6639G>A, p.Met2213Ile (NM_001127510.3, NM_001354895.2); c.6585G>A, p.Met2195Ile (NM_001127511.3); c.6693G>A, p.Met2231Ile (NM_001354896.2); c.6669G>A, p.Met2223Ile (NM_001354897.2); c.6564G>A, p.Met2188Ile (NM_001354898.2); c.6555G>A, p.Met2185Ile (NM_001354899.2); c.6516G>A, p.Met2172Ile (NM_001354900.2); c.6462G>A, p.Met2154Ile (NM_001354901.2); and 5 more; short protein forms M2195I, M2213I, M1930I, M2188I, M2231I, M2053I, M2172I, M2185I.
Identifiers: ClinVar variation 141618 (VCV000141618.39), dbSNP rs35540155, ClinGen allele CA012330.